The following is an entry in ClinVar:

NM_020631.6(PLEKHG5):c.59G>A (p.Arg20Gln)

Gene: PLEKHG5 (pleckstrin homology and RhoGEF domain containing G5; minus strand). Cytogenetic location: 1p36.31.
Variant type: single nucleotide variant.
Coding change: c.59G>A on transcript NM_020631.6 (MANE Select); coding-DNA position 59, G replaced by A.
Protein change: p.Arg20Gln; replaces arginine 20 with glutamine.
Molecular consequence: missense variant.
Genome position (GRCh38, 1-based): chr1:6,476,021, C>T on the plus strand (G>A on the coding strand, the complement: PLEKHG5 is on the minus strand). VCF-style: chr1-6476021-C-T. GRCh37 (hg19) VCF-style: chr1-6536081-C-T.
Other names: c.170G>A, p.Arg57Gln (NM_001042663.3, NM_001265592.2); c.59G>A, p.Arg20Gln (NM_001042664.2, NM_001042665.2, NM_001265594.3 and 1 more transcripts); c.266G>A, p.Arg89Gln (NM_001265593.2); short protein forms R20Q, R89Q, R57Q.
Identifiers: ClinVar variation 641635 (VCV000641635.9), dbSNP rs1259066437, ClinGen allele CA338141537.

ClinVar aggregate classification (germline): Uncertain significance. Review status: criteria provided, multiple submitters, no conflicts (2 of 4 stars). 2 submissions from 2 submitters: Uncertain significance (2). Last evaluated 2023-06-22.

Conditions:
Charcot-Marie-Tooth disease recessive intermediate C. Also called: CHARCOT-MARIE-TOOTH NEUROPATHY, RECESSIVE INTERMEDIATE C. Identifiers: Orphanet 369867, MedGen C3809309, MONDO:0014154, OMIM 615376.
Neuronopathy, distal hereditary motor, autosomal recessive 4. Also called: NEUROPATHY, DISTAL HEREDITARY MOTOR, AUTOSOMAL RECESSIVE 4; Autosomal recessive lower motor neuron disease with childhood onset. Identifiers: Orphanet 206580, MedGen C1970211, MONDO:0012608, OMIM 611067.

Allele frequency attached by ClinVar (database versions not stated): gnomAD exomes below 0.00001 and 0.00001.
gnomAD v4.1: 12 of 1,613,358 alleles (0.00074%); highest among the groups gnomAD compares: South Asian, 0.0044%; no homozygotes.

Submissions (2):

Neuberg Centre For Genomic Medicine, NCGM
Classification: Uncertain significance for Charcot-Marie-Tooth disease recessive intermediate C. Last evaluated: 2023-06-22. Review status: criteria provided, single submitter. Criteria: ACMG Guidelines, 2015. Collection method: clinical testing. Allele origin: germline. Inheritance: Autosomal recessive inheritance. Affected: yes.
Comment: The missense variant c.59G>A (p.Arg20Gln) in the PLEKHG5 gene has not been reported previously as a pathogenic variant nor as a benign variant, to our knowledge. This variant is reported with the allele frequency (0.0004%) in the gnomAD Exomes. This variant has been reported to the ClinVar database as Uncertain Significance. However, no details are available for independent assessment. The amino acid Arg at position 20 is changed to a Gln changing protein sequence and it might alter its composition and physico-chemical properties. Multiple lines of computational evidence (Polyphen - Damaging, SIFT - Damaging and MutationTaster - Disease causing) predict a damaging effect on protein structure and function for this variant. The amino acid change p.Arg20Gln in PLEKHG5 is predicted as conserved by GERP++ and PhyloP across 100 vertebrates. For these reasons, this variant has been classified as Uncertain Significance.

Labcorp Genetics (formerly Invitae), Labcorp
Classification: Uncertain significance for Neuronopathy, distal hereditary motor, autosomal recessive 4; Charcot-Marie-Tooth disease recessive intermediate C. Last evaluated: 2021-09-01. Review status: criteria provided, single submitter. Criteria: Invitae Variant Classification Sherloc (09022015). Collection method: clinical testing. Allele origin: germline.
Comment: This sequence change replaces arginine with glutamine at codon 20 of the PLEKHG5 protein (p.Arg20Gln). The arginine residue is highly conserved and there is a small physicochemical difference between arginine and glutamine. This variant is not present in population databases (ExAC no frequency). This variant has not been reported in the literature in individuals affected with PLEKHG5-related conditions. Algorithms developed to predict the effect of missense changes on protein structure and function are either unavailable or do not agree on the potential impact of this missense change (SIFT: "Tolerated"; PolyPhen-2: "Probably Damaging"; Align-GVGD: "Class C0"). Algorithms developed to predict the effect of sequence changes on RNA splicing suggest that this variant may create or strengthen a splice site. In summary, the available evidence is currently insufficient to determine the role of this variant in disease. Therefore, it has been classified as a Variant of Uncertain Significance.